The following is an entry in ClinVar:

ClinVar aggregate classification (germline): Pathogenic (1 of 4 stars; one submission).

Conditions:
Developmental and epileptic encephalopathy, 23 (DEE23). Also called: Epileptic encephalopathy, early infantile, 23. Identifiers: Orphanet 411986, MedGen C4014492, MONDO:0014371, OMIM 615859.

Submission:

Labcorp Genetics (formerly Invitae), Labcorp
Classification: Pathogenic for Developmental and epileptic encephalopathy, 23. Last evaluated: 2024-07-30. Review status: criteria provided, single submitter. Criteria: Invitae Variant Classification Sherloc (09022015). Collection method: clinical testing. Allele origin: germline.
Comment: This sequence change creates a premature translational stop signal (p.Asp1889Argfs*4) in the DOCK7 gene. It is expected to result in an absent or disrupted protein product. Loss-of-function variants in DOCK7 are known to be pathogenic (PMID: 24814191). This variant is not present in population databases (gnomAD no frequency). This variant has not been reported in the literature in individuals affected with DOCK7-related conditions. Algorithms developed to predict the effect of sequence changes on RNA splicing suggest that this variant may disrupt the consensus splice site. For these reasons, this variant has been classified as Pathogenic.

Literature cited by the submitters: PubMed 24814191.

NM_001367561.1(DOCK7):c.5697dup (p.Asp1900fs)

Gene: DOCK7 (dedicator of cytokinesis 7; minus strand). Cytogenetic location: 1p31.3.
Variant type: Duplication.
Coding change: c.5697dup on transcript NM_001367561.1 (MANE Select); coding-DNA position 5697, one base duplicated (A; older notation c.5697dupA).
Protein change: p.Asp1900fs; shifts the reading frame from aspartic acid 1900.
Molecular consequence: frameshift variant.
Genome position (GRCh38, 1-based): chr1:62,476,094, T duplicated on the plus strand (A on the coding strand, the reverse complement: DOCK7 is on the minus strand). VCF-style (leftmost placement, unchanged base first): chr1-62476093-C-CT. GRCh37 (hg19) VCF-style: chr1-62941764-C-CT.
Other names: c.5664dup, p.Asp1889fs (NM_001271999.2); c.5577dup, p.Asp1860fs (NM_001272000.2); c.5571dup, p.Asp1858fs (NM_001272001.2); c.5670dup, p.Asp1891fs (NM_001330614.2); c.5604dup, p.Asp1869fs (NM_033407.4); short protein forms D1869fs, D1889fs, D1900fs, D1858fs, D1860fs, D1891fs.
Identifiers: ClinVar variation 3660936 (VCV003660936.2).